The following is an entry in ClinVar:

NM_001105562.3(UBE4B):c.639C>T (p.Ser213=)

Gene: UBE4B (ubiquitination factor E4B; plus strand). Cytogenetic location: 1p36.22.
Variant type: single nucleotide variant.
Coding change: c.639C>T on transcript NM_001105562.3 (MANE Select); coding-DNA position 639, C replaced by T.
Protein change: p.Ser213=; no amino-acid change (serine 213 retained).
Molecular consequence: synonymous variant.
Genome position (GRCh38, 1-based): chr1:10,105,574, C>T. VCF-style: chr1-10105574-C-T. GRCh37 (hg19) VCF-style: chr1-10165632-C-T.
Other names: c.639C>T, p.Ser213= (NM_001410744.1, NM_006048.5).
Identifiers: ClinVar variation 5040576 (VCV005040576.1).

ClinVar aggregate classification (germline): Likely benign (1 of 4 stars; one submission).

gnomAD v4.1: 9 of 1,614,046 alleles (0.00056%); highest among the groups gnomAD compares: Admixed American, 0.005%; no homozygotes.

Submission:

CeGaT Center for Human Genetics Tuebingen
Classification: Likely benign. Last evaluated: 2026-08-01. Review status: criteria provided, single submitter. Criteria: CeGaT Center For Human Genetics Tuebingen Variant Classification Criteria Version 2. Collection method: clinical testing. Allele origin: germline. Affected: yes. Observed: 1 variant allele.
Comment: UBE4B: BP4, BP7